The following is an entry in ClinVar:

NM_206933.4(USH2A):c.14583-1G>T

Gene: USH2A (usherin; minus strand). Cytogenetic location: 1q41.
Variant type: single nucleotide variant.
Coding change: c.14583-1G>T on transcript NM_206933.4 (MANE Select); the canonical splice acceptor site of the intron before coding-DNA position 14583, G replaced by T.
Molecular consequence: splice acceptor variant.
Genome position (GRCh38, 1-based): chr1:215,647,731, C>A on the plus strand (G>T on the coding strand, the complement: USH2A is on the minus strand). VCF-style: chr1-215647731-C-A. GRCh37 (hg19) VCF-style: chr1-215821073-C-A.
Identifiers: ClinVar variation 2133987 (VCV002133987.7), dbSNP rs1417934743, ClinGen allele CA344832342.

ClinVar aggregate classification (germline): Pathogenic/Likely pathogenic. Review status: criteria provided, multiple submitters, no conflicts (2 of 4 stars). 4 submissions from 4 submitters: Pathogenic (1); Likely pathogenic (3). Last evaluated 2024-01-17.

Conditions:
Retinitis pigmentosa 39 (RP39). Identifiers: Orphanet 791, MedGen C3151138, MONDO:0013436, OMIM 613809.
Usher syndrome type 2A. Also called: USHER SYNDROME, TYPE IIA; RETINAL DISEASE IN USHER SYNDROME TYPE IIA, MODIFIER OF. Identifiers: Orphanet 231178, Orphanet 886, MedGen C1848634, MONDO:0010169, OMIM 276901.

Allele frequency attached by ClinVar (database versions not stated): gnomAD exomes below 0.00001.
gnomAD v4.1: 2 of 1,614,124 alleles (0.00012%); highest among the groups gnomAD compares: Admixed American, 0.0033%; no homozygotes.

Submissions (4):

Fulgent Genetics
Classification: Likely pathogenic for Usher syndrome type 2A; Retinitis pigmentosa 39. Last evaluated: 2024-01-17. Review status: criteria provided, single submitter. Criteria: ACMG Guidelines, 2015. Collection method: clinical testing. Allele origin: germline.

Labcorp Genetics (formerly Invitae), Labcorp
Classification: Pathogenic. Last evaluated: 2023-05-23. Review status: criteria provided, single submitter. Criteria: Invitae Variant Classification Sherloc (09022015). Collection method: clinical testing. Allele origin: germline.
Comment: This sequence change affects an acceptor splice site in intron 66 of the USH2A gene. It is expected to disrupt RNA splicing. Variants that disrupt the donor or acceptor splice site typically lead to a loss of protein function (PMID: 16199547), and loss-of-function variants in USH2A are known to be pathogenic (PMID: 10729113, 10909849, 20507924, 25649381). This variant is present in population databases (no rsID available, gnomAD 0.006%). Disruption of this splice site has been observed in individual(s) with Usher syndrome (Invitae). ClinVar contains an entry for this variant (Variation ID: 2133987). Algorithms developed to predict the effect of sequence changes on RNA splicing suggest that this variant may disrupt the consensus splice site. For these reasons, this variant has been classified as Pathogenic.

Genome-Nilou Lab
Classification: Likely pathogenic for Retinitis pigmentosa 39. Last evaluated: 2023-04-11. Review status: criteria provided, single submitter. Criteria: ACMG Guidelines, 2015. Collection method: clinical testing. Allele origin: germline. Affected: no.

GeneDx
Classification: Likely pathogenic. Last evaluated: 2022-04-04. Review status: criteria provided, single submitter. Criteria: GeneDx Variant Classification Process June 2021. Collection method: clinical testing. Allele origin: germline. Affected: yes.
Comment: Canonical splice site variant predicted to result in a null allele in a gene for which loss of function is a known mechanism of disease; Not observed at significant frequency in large population cohorts (gnomAD); Has not been previously published as pathogenic or benign to our knowledge

Literature cited by the submitters: PubMed 16199547 (cited by Labcorp Genetics (formerly Invitae), Labcorp); PubMed 10729113 (cited by Labcorp Genetics (formerly Invitae), Labcorp); PubMed 10909849 (cited by Labcorp Genetics (formerly Invitae), Labcorp); PubMed 20507924 (cited by Labcorp Genetics (formerly Invitae), Labcorp); PubMed 25649381 (cited by Labcorp Genetics (formerly Invitae), Labcorp).